The following is an entry in ClinVar:

NM_016239.4(MYO15A):c.6308G>T (p.Gly2103Val)

Gene: MYO15A (myosin XVA; plus strand). Cytogenetic location: 17p11.2.
Variant type: single nucleotide variant.
Coding change: c.6308G>T on transcript NM_016239.4 (MANE Select); coding-DNA position 6308, G replaced by T.
Protein change: p.Gly2103Val; replaces glycine 2103 with valine.
Molecular consequence: missense variant.
Genome position (GRCh38, 1-based): chr17:18,145,906, G>T. VCF-style: chr17-18145906-G-T. GRCh37 (hg19) VCF-style: chr17-18049220-G-T.
Other names: short protein forms G2103V.
Identifiers: ClinVar variation 3767118 (VCV003767118.2).
Genomic context (GRCh38, chr17:18,145,906, plus strand): 5'-CCCAGGAGACTCTGTTCGTGGCCCAGATCCTGCGCTTCATGGGCGACCCCCACCTGCATG[G>T]TGCCCGGGAGAACATCTTCGGGAACTACATCGTGCAGAAGGGGCTGGCGGTGCCTGAGCT-3'
Protein context (NP_057323.3, residues 2093-2113): LRFMGDPHLH[Gly2103Val]ARENIFGNYI

ClinVar aggregate classification (germline): Uncertain significance (1 of 4 stars; one submission).

Conditions:
Autosomal recessive nonsyndromic hearing loss 3. Also called: NEUROSENSORY NONSYNDROMIC RECESSIVE DEAFNESS 3. Identifiers: Orphanet 90636, MedGen C1838263, MONDO:0010860, OMIM 600316.

Submission:

Juno Genomics, Hangzhou Juno Genomics, Inc
Classification: Uncertain significance for Autosomal recessive nonsyndromic hearing loss 3. Review status: criteria provided, single submitter. Criteria: ACMG Guidelines, 2015. Collection method: clinical testing. Allele origin: germline. Affected: yes.
Comment: Absent from controls (or at extremely low frequency if recessive) in Genome Aggregation Database, Exome Sequencing Project, 1000 Genomes Project, or Exome Aggregation Consortium.;For recessive disorders, detected in trans with a pathogenic variant.